The following is an entry in ClinVar:

NM_024577.4(SH3TC2):c.*1750C>T

Gene: SH3TC2 (SH3 domain and tetratricopeptide repeats 2; minus strand). Cytogenetic location: 5q32.
Variant type: single nucleotide variant.
Coding change: c.*1750C>T on transcript NM_024577.4 (MANE Select); 1750 bases downstream of the stop codon, C replaced by T.
Molecular consequence: 3 prime UTR variant.
Genome position (GRCh38, 1-based): chr5:149,002,961, G>A on the plus strand (C>T on the coding strand, the complement: SH3TC2 is on the minus strand). VCF-style: chr5-149002961-G-A. GRCh37 (hg19) VCF-style: chr5-148382524-G-A.
Identifiers: ClinVar variation 351867 (VCV000351867.5), dbSNP rs146276637, ClinGen allele CA10620729.

ClinVar aggregate classification (germline): Benign/Likely benign. Review status: criteria provided, single submitter (1 of 4 stars). 2 submissions from 1 submitter: Benign (1); Likely benign (1). Last evaluated 2018-01-13.

Conditions:
Susceptibility to mononeuropathy of the median nerve, mild. Also called: CARPAL TUNNEL SYNDROME, SUSCEPTIBILITY TO. Identifiers: MedGen C3150596, MONDO:0013237, OMIM 613353.
Charcot-Marie-Tooth disease type 4C (CMT4C). Also called: CHARCOT-MARIE-TOOTH DISEASE, DEMYELINATING, AUTOSOMAL RECESSIVE, TYPE 4C; CMT 4C; Charcot-Marie-Tooth Neuropathy Type 4C (CMT4C); CHARCOT-MARIE-TOOTH DISEASE, DEMYELINATING, TYPE 4C; SH3TC2-Related Hereditary Motor and Sensory Neuropathy. Identifiers: Orphanet 99949, MedGen C1866636, MONDO:0011113, OMIM 601596.

Allele frequency attached by ClinVar (database versions not stated): gnomAD 0.00289 and 0.00314; TOPMed 0.00302; 1000 Genomes Project 0.00399; 1000 Genomes Project 30x 0.00453.

Submissions (2):

Illumina Laboratory Services, Illumina
Classification: Likely benign for Charcot-Marie-Tooth disease type 4C. Last evaluated: 2018-01-13. Review status: criteria provided, single submitter. Criteria: ICSL Variant Classification Criteria 13 December 2019. Collection method: clinical testing. Allele origin: germline.
Comment: This variant was observed in the ICSL laboratory as part of a predisposition screen in an ostensibly healthy population. It had not been previously curated by ICSL or reported in the Human Gene Mutation Database (HGMD: prior to June 1st, 2018), and was therefore a candidate for classification through an automated scoring system. Utilizing variant allele frequency, disease prevalence and penetrance estimates, and inheritance mode, an automated score was calculated to assess if this variant is too frequent to cause the disease. Based on the score and internal cut-off values, a variant classified as likely benign is not then subjected to further curation. The score for this variant resulted in a classification of likely benign for this disease.

Illumina Laboratory Services, Illumina
Classification: Benign for Susceptibility to mononeuropathy of the median nerve, mild. Last evaluated: 2018-01-13. Review status: criteria provided, single submitter. Criteria: ICSL Variant Classification Criteria 13 December 2019. Collection method: clinical testing. Allele origin: germline.
Comment: This variant was observed in the ICSL laboratory as part of a predisposition screen in an ostensibly healthy population. It had not been previously curated by ICSL or reported in the Human Gene Mutation Database (HGMD: prior to June 1st, 2018), and was therefore a candidate for classification through an automated scoring system. Utilizing variant allele frequency, disease prevalence and penetrance estimates, and inheritance mode, an automated score was calculated to assess if this variant is too frequent to cause the disease. Based on the score and internal cut-off values, a variant classified as benign is not then subjected to further curation. The score for this variant resulted in a classification of benign for this disease.